The following is an entry in ClinVar:

NM_006648.4(WNK2):c.4898G>A (p.Gly1633Glu)

Gene: WNK2 (WNK lysine deficient protein kinase 2; plus strand). Cytogenetic location: 9q22.31.
Variant type: single nucleotide variant.
Coding change: c.4898G>A on transcript NM_006648.4 (MANE Select); coding-DNA position 4898, G replaced by A.
Protein change: p.Gly1633Glu; replaces glycine 1633 with glutamic acid.
Molecular consequence: missense variant.
Genome position (GRCh38, 1-based): chr9:93,290,009, G>A. VCF-style: chr9-93290009-G-A. GRCh37 (hg19) VCF-style: chr9-96052291-G-A.
Other names: c.5009G>A, p.Gly1670Glu (NM_001282394.3); short protein forms G1633E, G1670E.
Identifiers: ClinVar variation 4605397 (VCV004605397.1).

ClinVar aggregate classification (germline): Uncertain significance (1 of 4 stars; one submission).

Submission:

Ambry Genetics
Classification: Uncertain significance. Last evaluated: 2025-11-26. Review status: criteria provided, single submitter. Criteria: Ambry Variant Classification Scheme 2023. Collection method: clinical testing. Allele origin: germline.
Comment: The p.G1633E variant (also known as c.4898G>A), located in coding exon 20 of the WNK2 gene, results from a G to A substitution at nucleotide position 4898. The glycine at codon 1633 is replaced by glutamic acid, an amino acid with similar properties. This amino acid position is conserved. In addition, this alteration is predicted to be tolerated by in silico analysis. Based on the available evidence, the clinical significance of this variant remains unclear.